The following is an entry in ClinVar:

NC_000019.10:g.45770205_45770264CAG[(53_67)]CAGGCC[(53_67)]CAG[(180_230)]

Genes: DMPK (DM1 protein kinase; minus strand), DM1-AS (DM1 locus antisense RNA; plus strand), LOC107075317 (origin of replication in DMPK trinucleotide repeat region; plus strand), LOC109461477 (dystrophia myotonica protein kinase repeat instability region; plus strand), LOC129929040 (ATAC-STARR-seq lymphoblastoid silent region 10796; plus strand). Cytogenetic location: 19q13.32.
Variant type: Microsatellite.
Identifiers: ClinVar variation 523754 (VCV000523754.2).

ClinVar aggregate classification (germline): Pathogenic (0 of 4 stars; one submission).

Conditions:
Steinert myotonic dystrophy syndrome (DM1). Also called: STEINERT DISEASE; Myotonic dystrophy type 1; Dystrophia myotonica type 1; Steinert myotonic dystrophy; Steinert's disease. Identifiers: Orphanet 273, MedGen C3250443, MONDO:0008056, OMIM 160900.

Submission:

Institute of Molecular, Cell and Systems Biology, University of Glasgow
Classification: Pathogenic for Steinert myotonic dystrophy syndrome. Last evaluated: 2018-03-14. Review status: no assertion criteria provided. Collection method: research. Allele origin: de novo. Inheritance: Autosomal dominant inheritance. Observed: 1 variant allele.
Comment: DMPK CTG repeat expansions greater than approximately 45-50 repeats are assumed to be pathogenic

Literature cited by the submitters: PubMed 29967337; PubMed 1346923; PubMed 1546326.